The following is an entry in ClinVar:

ClinVar aggregate classification (germline): Likely benign. Review status: criteria provided, single submitter (1 of 4 stars). 2 submissions from 2 submitters: Likely benign (1). 1 of the submissions does not count toward it. Last evaluated 2025-12-23.

Conditions:
HYOU1-related disorder. Also called: HYOU1-related condition.

Allele frequency attached by ClinVar (database versions not stated): gnomAD 0.00007 and 0.00008; 1000 Genomes Project 30x 0.00047.
gnomAD v4.1: 135 of 1,603,868 alleles (0.0084%); highest among the groups gnomAD compares: South Asian, 0.029%; no homozygotes.

Submissions (2):

Labcorp Genetics (formerly Invitae), Labcorp
Classification: Likely benign. Last evaluated: 2025-12-23. Review status: criteria provided, single submitter. Criteria: Invitae Variant Classification Sherloc (09022015). Collection method: clinical testing. Allele origin: germline.

PreventionGenetics, part of Exact Sciences
Classification: Likely benign for HYOU1-related condition. Last evaluated: 2019-12-03. Review status: no assertion criteria provided. Collection method: clinical testing. Allele origin: germline. Not counted in ClinVar's aggregate classification.
Comment: This variant is classified as likely benign based on ACMG/AMP sequence variant interpretation guidelines (Richards et al. 2015 PMID: 25741868, with internal and published modifications).

NM_006389.5(HYOU1):c.2637C>T (p.Pro879=)

Gene: HYOU1 (hypoxia up-regulated 1; minus strand). Cytogenetic location: 11q23.3.
Variant type: single nucleotide variant.
Coding change: c.2637C>T on transcript NM_006389.5 (MANE Select); coding-DNA position 2637, C replaced by T.
Protein change: p.Pro879=; no amino-acid change (proline 879 retained).
Molecular consequence: synonymous variant.
Genome position (GRCh38, 1-based): chr11:119,046,761, G>A on the plus strand (C>T on the coding strand, the complement: HYOU1 is on the minus strand). VCF-style: chr11-119046761-G-A. GRCh37 (hg19) VCF-style: chr11-118917473-G-A.
Other names: c.2637C>T, p.Pro879= (NM_001130991.3); c.2637C>T (NM_006389.4).
Identifiers: ClinVar variation 1650961 (VCV001650961.10), dbSNP rs148717311, ClinGen allele CA229617096.
Genomic context (GRCh38, chr11:119,046,761, plus strand): 5'-GTCCAGGGCCATCATCTTAGCTTCAATGTCTTTTGAGAGCAACACAGGCTTCTCTGTGGC[G>A]GGCAGCTTAGCCTGCTCGGCCAGAGTTGCATTCTTCCAGGCCTGTGGGTGAGACCAGGAG-3'
Protein context (NP_006380.1, residues 869-889): NATLAEQAKL[Pro879=]ATEKPVLLSK